The following is an entry in ClinVar:

ClinVar aggregate classification (germline): Pathogenic (1 of 4 stars; one submission).

Submission:

Labcorp Genetics (formerly Invitae), Labcorp
Classification: Pathogenic. Last evaluated: 2021-11-14. Review status: criteria provided, single submitter. Criteria: Invitae Variant Classification Sherloc (09022015). Collection method: clinical testing. Allele origin: germline.
Comment: For these reasons, this variant has been classified as Pathogenic. This variant has not been reported in the literature in individuals affected with F11-related conditions. This variant is not present in population databases (gnomAD no frequency). This sequence change creates a premature translational stop signal (p.His414Aspfs*15) in the F11 gene. It is expected to result in an absent or disrupted protein product. Loss-of-function variants in F11 are known to be pathogenic (PMID: 23929304).

Literature cited by the submitters: PubMed 23929304.

NM_000128.4(F11):c.1235_1236insAA (p.His414fs)

Gene: F11 (coagulation factor XI; plus strand). Cytogenetic location: 4q35.2.
Variant type: Insertion.
Coding change: c.1235_1236insAA on transcript NM_000128.4 (MANE Select); coding-DNA positions 1235 to 1236, AA inserted.
Protein change: p.His414fs; shifts the reading frame from histidine 414.
Molecular consequence: frameshift variant.
Genome position: GRCh38 VCF-style: chr4-186284190-C-CAA. GRCh37 (hg19) VCF-style: chr4-187205344-C-CAA.
Other names: short protein forms H414fs.
Identifiers: ClinVar variation 1388644 (VCV001388644.6), dbSNP rs2126773212, ClinGen allele CA2573138191.